The following is an entry in ClinVar:

NM_181486.4(TBX5):c.1329_1338del (p.Asn444fs)

Gene: TBX5 (T-box transcription factor 5; minus strand). Cytogenetic location: 12q24.21.
Variant type: Deletion.
Coding change: c.1329_1338del on transcript NM_181486.4 (MANE Select); coding-DNA positions 1329 to 1338, 10 bases deleted (CAACCATGGC; older notation c.1329_1338delCAACCATGGC).
Protein change: p.Asn444fs; shifts the reading frame from asparagine 444.
Molecular consequence: frameshift variant.
Genome position (GRCh38, 1-based): chr12:114,355,751-114,355,760, GCCATGGTTG deleted on the plus strand (CAACCATGGC on the coding strand, the reverse complement: TBX5 is on the minus strand); deleting any 10 consecutive bases within chr12:114,355,751-114,355,766 gives the same sequence; the c. name uses the placement nearest the transcript's 3' end. VCF-style (leftmost placement, unchanged base first): chr12-114355750-AGCCATGGTTG-A. GRCh37 (hg19) VCF-style: chr12-114793555-AGCCATGGTTG-A.
Other names: c.1329_1338del, p.Asn444fs (NM_000192.3); c.1179_1188del, p.Asn394fs (NM_080717.4); short protein forms N394fs, N444fs.
Identifiers: ClinVar variation 4759244 (VCV004759244.1).

ClinVar aggregate classification (germline): Likely pathogenic (1 of 4 stars; one submission).

Conditions:
Holt-Oram syndrome (HOS). Also called: Ventriculo-radial syndrome; Cardiac-limb syndrome; Heart-hand syndrome, type 1; TBX5-Related Holt-Oram Syndrome. Identifiers: Orphanet 392, MedGen C0265264, MONDO:0007732, OMIM 142900.

Submission:

Variantyx, Inc.
Classification: Likely pathogenic for Holt-Oram syndrome. Last evaluated: 2025-03-16. Review status: criteria provided, single submitter. Criteria: Variantyx Assertion Criteria 2022. Collection method: clinical testing. Allele origin: de novo. Affected: yes.
Comment: This is a frameshift variant in the TBX5 gene (OMIM: 601620). Pathogenic variants in this gene have been associated with autosomal dominant Holt-Oram syndrome. This variant introduces a premature termination codon in exon 9 out of 9. Although loss of function is a known disease mechanism for TBX5 in this disorder (PMID: 17534187), this variant is not expected to result in nonsense-mediated mRNA decay and a truncated protein may be produced (PVS1_Moderate). This variant is absent from control populations (PM2_Supporting). This variant has not been reported in individuals with TBX5-related disorders in the databases available for review. Based on the current evidence, this variant is classified as likely pathogenic for autosomal dominant Holt-Oram syndrome.